The following is an entry in ClinVar:

NM_001109.5(ADAM8):c.972C>T (p.Asn324=)

Gene: ADAM8 (ADAM metallopeptidase domain 8; minus strand). Cytogenetic location: 10q26.3.
Variant type: single nucleotide variant.
Coding change: c.972C>T on transcript NM_001109.5 (MANE Select); coding-DNA position 972, C replaced by T.
Protein change: p.Asn324=; no amino-acid change (asparagine 324 retained).
Molecular consequence: synonymous variant.
Genome position (GRCh38, 1-based): chr10:133,271,940, G>A on the plus strand (C>T on the coding strand, the complement: ADAM8 is on the minus strand). VCF-style: chr10-133271940-G-A. GRCh37 (hg19) VCF-style: chr10-135085444-G-A.
Other names: c.972C>T, p.Asn324= (NM_001164489.2); c.855C>T, p.Asn285= (NM_001164490.2).
Identifiers: ClinVar variation 2641006 (VCV002641006.24), dbSNP rs140374625, ClinGen allele CA5762889.

ClinVar aggregate classification (germline): Likely benign (1 of 4 stars; one submission).

Allele frequency attached by ClinVar (database versions not stated): 1000 Genomes Project 30x 0.00109; 1000 Genomes Project 0.00120; ExAC 0.00295; gnomAD 0.00317; TOPMed 0.00318; ESP Exome Variant Server 0.00415; gnomAD exomes 0.00542.
gnomAD v4.1: 8,277 of 1,611,334 alleles (0.51%); highest among the groups gnomAD compares: Non-Finnish European, 0.67%; 25 homozygotes.

Submission:

CeGaT Center for Human Genetics Tuebingen
Classification: Likely benign. Last evaluated: 2022-06-01. Review status: criteria provided, single submitter. Criteria: CeGaT Center For Human Genetics Tuebingen Variant Classification Criteria Version 2. Collection method: clinical testing. Allele origin: germline. Affected: yes. Observed: 1 variant allele.
Comment: ADAM8: BP4, BP7